The following is an entry in ClinVar:

ClinVar aggregate classification (germline): Conflicting classifications of pathogenicity. Review status: criteria provided, conflicting classifications (1 of 4 stars). 8 submissions from 8 submitters: Uncertain significance (7); Likely benign (1). Last evaluated 2026-05-26.

Conditions:
MYO15A-related disorder. Also called: MYO15A-related condition.
Inborn genetic diseases. Identifiers: MedGen C0950123, MeSH D030342.
Autosomal recessive nonsyndromic hearing loss 3. Also called: NEUROSENSORY NONSYNDROMIC RECESSIVE DEAFNESS 3. Identifiers: Orphanet 90636, MedGen C1838263, MONDO:0010860, OMIM 600316.

Allele frequency attached by ClinVar (database versions not stated): 1000 Genomes Project 30x 0.00094; gnomAD exomes 0.00010 and 0.00021; ExAC 0.00015; ESP Exome Variant Server 0.00033; gnomAD 0.00051 and 0.00053; 1000 Genomes Project 0.00080; TOPMed 0.00084.

Submissions (8):

PreventionGenetics, part of Exact Sciences
Classification: Uncertain significance for MYO15A-related condition. Last evaluated: 2026-05-26. Review status: criteria provided, single submitter. Criteria: ACMG Guidelines, 2015. Collection method: clinical testing. Allele origin: germline.
Comment: The MYO15A c.877G>A variant is predicted to result in the amino acid substitution p.Asp293Asn. To our knowledge, this variant has not been reported in the literature. This variant is reported in 0.079% of alleles in individuals of Latino descent in gnomAD, which may be too frequent to be a primary cause of disease. Although we suspect that this variant may be benign, at this time, the clinical significance of this variant is uncertain due to the absence of conclusive functional and genetic evidence.

Labcorp Genetics (formerly Invitae), Labcorp
Classification: Likely benign. Last evaluated: 2026-01-28. Review status: criteria provided, single submitter. Criteria: Invitae Variant Classification Sherloc (09022015). Collection method: clinical testing. Allele origin: germline.

Ambry Genetics
Classification: Uncertain significance for Inborn genetic diseases. Last evaluated: 2025-11-26. Review status: criteria provided, single submitter. Criteria: Ambry Variant Classification Scheme 2023. Collection method: clinical testing. Allele origin: germline.

GeneDx
Classification: Uncertain significance. Last evaluated: 2024-12-26. Review status: criteria provided, single submitter. Criteria: GeneDx Variant Classification Process June 2021. Collection method: clinical testing. Allele origin: germline. Affected: yes.
Comment: In silico analysis indicates that this missense variant does not alter protein structure/function; Has not been previously published as pathogenic or benign to our knowledge

Blueprint Genetics
Classification: Uncertain significance. Last evaluated: 2024-03-13. Review status: criteria provided, single submitter. Criteria: ACMG Guidelines, 2015. Collection method: clinical testing. Allele origin: germline.

Revvity Omics, Revvity
Classification: Uncertain significance for Autosomal recessive nonsyndromic hearing loss 3. Last evaluated: 2021-08-04. Review status: criteria provided, single submitter. Criteria: ACMG Guidelines, 2015. Collection method: clinical testing. Allele origin: germline.

ARUP Laboratories, Molecular Genetics and Genomics, ARUP Laboratories
Classification: Uncertain significance. Last evaluated: 2017-12-29. Review status: criteria provided, single submitter. Criteria: ARUP Molecular Germline Variant Investigation Process. Collection method: clinical testing. Allele origin: germline.
Comment: Although the MYO15A p.Asp293Asn variant (rs201415651) has not been reported in the medical literature, it is listed in the Genome Aggregation Database (gnomAD) browser with an overall allele frequency of 0.021% (identified in 57 out of 270,930 chromosomes). It is also classified as a variant of uncertain significance in ClinVar (Variant ID: 285405). The aspartic acid at codon 293 is highly conserved considering 11 species up to cow (Alamut software v2.10.0), but computational analyses predict that this variant does not affect the structure/function of the MYO15A protein (SIFT: tolerated, PolyPhen2: benign, MutationTaster: polymorphism). Based on the available information, the clinical significance of the p.Asp293Asn variant cannot be determined with certainty.

Eurofins Ntd Llc (ga)
Classification: Uncertain significance. Last evaluated: 2016-01-22. Review status: criteria provided, single submitter. Criteria: EGL Classification Definitions 2015. Collection method: clinical testing. Allele origin: germline. Observed: 1 variant allele, 1 heterozygote.

NM_016239.4(MYO15A):c.877G>A (p.Asp293Asn)

Gene: MYO15A (myosin XVA; plus strand). Cytogenetic location: 17p11.2.
Variant type: single nucleotide variant.
Coding change: c.877G>A on transcript NM_016239.4 (MANE Select); coding-DNA position 877, G replaced by A.
Protein change: p.Asp293Asn; replaces aspartic acid 293 with asparagine.
Molecular consequence: missense variant.
Genome position (GRCh38, 1-based): chr17:18,119,677, G>A. VCF-style: chr17-18119677-G-A. GRCh37 (hg19) VCF-style: chr17-18022991-G-A.
Other names: short protein forms D293N.
Identifiers: ClinVar variation 285405 (VCV000285405.30), dbSNP rs201415651, ClinGen allele CA8422960.